The following is an entry in ClinVar:

NM_023067.4(FOXL2):c.283AAG[1] (p.Lys96del)

Gene: FOXL2 (forkhead box L2; minus strand). Cytogenetic location: 3q22.3.
Variant type: Microsatellite.
Coding change: c.283AAG[1] on transcript NM_023067.4 (MANE Select); one copy of the 3-base unit AAG starting at c.283; the reference has two copies in a row; one copy, 3 bases deleted.
Protein change: p.Lys96del; deletes lysine 96.
Molecular consequence: inframe deletion.
Genome position (GRCh38, 1-based): chr3:138,946,435-138,946,437, CTT deleted on the plus strand (AAG on the coding strand, the reverse complement: FOXL2 is on the minus strand); deleting any 3 consecutive bases within chr3:138,946,435-138,946,440 gives the same sequence; the position shown is the placement nearest the transcript's 3' end. VCF-style (leftmost placement, unchanged base first): chr3-138946434-CCTT-C. GRCh37 (hg19) VCF-style: chr3-138665276-CCTT-C.
Other names: short protein forms K96del.
Identifiers: ClinVar variation 4993010 (VCV004993010.1).

ClinVar aggregate classification (germline): Uncertain significance (1 of 4 stars; one submission).

Conditions:
FOXL2-related disorder. Also called: FOXL2-related condition.

Submission:

PreventionGenetics, part of Exact Sciences
Classification: Uncertain significance for FOXL2-related condition. Last evaluated: 2026-05-07. Review status: criteria provided, single submitter. Criteria: ACMG Guidelines, 2015. Collection method: clinical testing. Allele origin: germline.
Comment: The FOXL2 c.286_288delAAG variant is predicted to result in an in-frame deletion (p.Lys96del). To our knowledge, this variant has not been reported in the literature. An alternate, overlapping in-frame deletion (c.283_288del) has been reported in an individual with BPES and the individual's mother carried the variant in <50% of tested cells (Beysen et al. 2008. PubMed ID: 18642388). This variant is absent in a large population database (gnomAD), indicating this variant is rare. At this time, the clinical significance of this variant is uncertain due to the absence of conclusive functional and genetic evidence.